The following is an entry in ClinVar:

NM_033026.6(PCLO):c.10264C>T (p.Gln3422Ter)

Gene: PCLO (piccolo presynaptic cytomatrix protein; minus strand). Cytogenetic location: 7q21.11.
Variant type: single nucleotide variant.
Coding change: c.10264C>T on transcript NM_033026.6 (MANE Select); coding-DNA position 10264, C replaced by T.
Protein change: p.Gln3422Ter; replaces glutamine 3422 with a stop codon.
Molecular consequence: nonsense.
Genome position (GRCh38, 1-based): chr7:82,950,324, G>A on the plus strand (C>T on the coding strand, the complement: PCLO is on the minus strand). VCF-style: chr7-82950324-G-A. GRCh37 (hg19) VCF-style: chr7-82579640-G-A.
Other names: c.10264C>T, p.Gln3422Ter (NM_014510.3); short protein forms Q3422*.
Identifiers: ClinVar variation 3658622 (VCV003658622.2).

ClinVar aggregate classification (germline): Pathogenic (1 of 4 stars; one submission).

Submission:

Labcorp Genetics (formerly Invitae), Labcorp
Classification: Pathogenic. Last evaluated: 2024-07-03. Review status: criteria provided, single submitter. Criteria: Invitae Variant Classification Sherloc (09022015). Collection method: clinical testing. Allele origin: germline.
Comment: This sequence change creates a premature translational stop signal (p.Gln3422*) in the PCLO gene. It is expected to result in an absent or disrupted protein product. Loss-of-function variants in PCLO are known to be pathogenic (PMID: 25832664, 30287594). This variant is not present in population databases (gnomAD no frequency). This variant has not been reported in the literature in individuals affected with PCLO-related conditions. For these reasons, this variant has been classified as Pathogenic.

Literature cited by the submitters: PubMed 25832664; PubMed 30287594.